The following is an entry in ClinVar:

ClinVar aggregate classification (germline): Pathogenic (1 of 4 stars; one submission).

Submission:

Labcorp Genetics (formerly Invitae), Labcorp
Classification: Pathogenic. Last evaluated: 2020-08-29. Review status: criteria provided, single submitter. Criteria: Invitae Variant Classification Sherloc (09022015). Collection method: clinical testing. Allele origin: germline.
Comment: For these reasons, this variant has been classified as Pathogenic. Loss-of-function variants in PHEX are known to be pathogenic (PMID: 9097956, 9106524, 19219621). This variant has not been reported in the literature in individuals with PHEX-related conditions. This variant is not present in population databases (ExAC no frequency). This sequence change creates a premature translational stop signal (p.Ser239Argfs*23) in the PHEX gene. It is expected to result in an absent or disrupted protein product.

Literature cited by the submitters: PubMed 9097956; PubMed 9106524; PubMed 19219621.

NM_000444.6(PHEX):c.717_721del (p.Ser239fs)

Gene: PHEX (phosphate regulating endopeptidase X-linked; plus strand). Cytogenetic location: Xp22.11.
Variant type: Deletion.
Coding change: c.717_721del on transcript NM_000444.6 (MANE Select); coding-DNA positions 717 to 721, 5 bases deleted (TACAG; older notation c.717_721delTACAG).
Protein change: p.Ser239fs; shifts the reading frame from serine 239.
Molecular consequence: frameshift variant.
Genome position (GRCh38, 1-based): chrX:22,090,482-22,090,486, TACAG deleted; deleting any 5 consecutive bases within chrX:22,090,478-22,090,486 gives the same sequence; the c. name uses the placement nearest the transcript's 3' end. VCF-style (leftmost placement, unchanged base first): chrX-22090477-AACAGT-A. GRCh37 (hg19) VCF-style: chrX-22108595-AACAGT-A.
Other names: c.717_721del, p.Ser239fs (NM_001282754.2); short protein forms S239fs.
Identifiers: ClinVar variation 1075689 (VCV001075689.7), dbSNP rs2147035547, ClinGen allele CA2499226570.